The following is an entry in ClinVar:

ClinVar aggregate classification (germline): Uncertain significance (1 of 4 stars; one submission).

Submission:

Labcorp Genetics (formerly Invitae), Labcorp
Classification: Uncertain significance. Last evaluated: 2023-11-07. Review status: criteria provided, single submitter. Criteria: Invitae Variant Classification Sherloc (09022015). Collection method: clinical testing. Allele origin: germline.
Comment: This variant, c.316_318del, results in the deletion of 1 amino acid(s) of the INS protein (p.Glu106del), but otherwise preserves the integrity of the reading frame. This variant is not present in population databases (gnomAD no frequency). This variant has not been reported in the literature in individuals affected with INS-related conditions. Experimental studies and prediction algorithms are not available or were not evaluated, and the functional significance of this variant is currently unknown. In summary, the available evidence is currently insufficient to determine the role of this variant in disease. Therefore, it has been classified as a Variant of Uncertain Significance.

NM_000207.3(INS):c.316_318del (p.Glu106del)

Genes: INS-IGF2 (INS-IGF2 readthrough; minus strand), INS (insulin; minus strand). Cytogenetic location: 11p15.5.
Variant type: Deletion.
Coding change: c.316_318del on transcript NM_000207.3 (MANE Select); coding-DNA positions 316 to 318, 3 bases deleted (GAG; older notation c.316_318delGAG).
Protein change: p.Glu106del; deletes glutamic acid 106.
Molecular consequence: inframe deletion. On other transcripts: intron variant (1).
Genome position (GRCh38, 1-based): chr11:2,159,867-2,159,869, CTC deleted on the plus strand (GAG on the coding strand, the reverse complement: INS is on the minus strand); deleting any 3 consecutive bases within chr11:2,159,867-2,159,870 gives the same sequence; the c. name uses the placement nearest the transcript's 3' end. VCF-style (leftmost placement, unchanged base first): chr11-2159866-TCTC-T. GRCh37 (hg19) VCF-style: chr11-2181096-TCTC-T.
Other names: c.316_318del, p.Glu106del (NM_001185097.2, NM_001185098.2, NM_001291897.2); c.187+916_187+918del (NM_001042376.3); short protein forms E106del.
Identifiers: ClinVar variation 2694226 (VCV002694226.3), dbSNP rs2495746327, ClinGen allele CA2697558815.